The following is an entry in ClinVar:

NM_006432.5(NPC2):c.168C>T (p.Ser56=)

Gene: NPC2 (NPC intracellular cholesterol transporter 2; minus strand). Cytogenetic location: 14q24.3.
Variant type: single nucleotide variant.
Coding change: c.168C>T on transcript NM_006432.5 (MANE Select); coding-DNA position 168, C replaced by T.
Protein change: p.Ser56=; no amino-acid change (serine 56 retained).
Molecular consequence: synonymous variant.
Genome position (GRCh38, 1-based): chr14:74,486,351, G>A on the plus strand (C>T on the coding strand, the complement: NPC2 is on the minus strand). VCF-style: chr14-74486351-G-A. GRCh37 (hg19) VCF-style: chr14-74953054-G-A.
Other names: c.168C>T, p.Ser56= (NM_001363688.1, NM_001375440.1).
Identifiers: ClinVar variation 500945 (VCV000500945.16), dbSNP rs761208847, ClinGen allele CA7268187.

ClinVar aggregate classification (germline): Conflicting classifications of pathogenicity. Review status: criteria provided, conflicting classifications (1 of 4 stars). 4 submissions from 4 submitters: Uncertain significance (1); Likely benign (3). Last evaluated 2026-05-18.

Conditions:
NPC2-related disorder. Also called: NPC2-related condition.
Inborn genetic diseases. Identifiers: MedGen C0950123, MeSH D030342.
Niemann-Pick disease, type C2 (NPC2). Identifiers: Orphanet 646, MedGen C1843366, MONDO:0011873, OMIM 607625.

Allele frequency attached by ClinVar (database versions not stated): gnomAD exomes 0.00001 and 0.00005; ExAC 0.00002; TOPMed 0.00002; gnomAD 0.00003 and 0.00004.
gnomAD v4.1: 68 of 1,601,458 alleles (0.0042%); highest among the groups gnomAD compares: African/African-American, 0.008%; no homozygotes.

Submissions (4):

PreventionGenetics, part of Exact Sciences
Classification: Likely benign for NPC2-related condition. Last evaluated: 2026-05-18. Review status: criteria provided, single submitter. Criteria: ACMG Guidelines, 2015. Collection method: clinical testing. Allele origin: germline.
Comment: This variant is classified as likely benign based on ACMG/AMP sequence variant interpretation guidelines (Richards et al. 2015 PMID: 25741868, with internal and published modifications).

Labcorp Genetics (formerly Invitae), Labcorp
Classification: Likely benign for Niemann-Pick disease, type C2. Last evaluated: 2025-07-28. Review status: criteria provided, single submitter. Criteria: Invitae Variant Classification Sherloc (09022015). Collection method: clinical testing. Allele origin: germline.

Ambry Genetics
Classification: Likely benign for Inborn genetic diseases. Last evaluated: 2020-12-05. Review status: criteria provided, single submitter. Criteria: Ambry Variant Classification Scheme 2023. Collection method: clinical testing. Allele origin: germline.

Eurofins Ntd Llc (ga)
Classification: Uncertain significance. Last evaluated: 2017-03-21. Review status: criteria provided, single submitter. Criteria: EGL Classification Definitions 2015. Collection method: clinical testing. Allele origin: germline. Observed: 2 variant alleles, 2 heterozygotes.